The following is an entry in ClinVar:

NM_053025.4(MYLK):c.3592G>T (p.Ala1198Ser)

Gene: MYLK (myosin light chain kinase; minus strand). Cytogenetic location: 3q21.1.
Variant type: single nucleotide variant.
Coding change: c.3592G>T on transcript NM_053025.4 (MANE Select); coding-DNA position 3592, G replaced by T.
Protein change: p.Ala1198Ser; replaces alanine 1198 with serine.
Molecular consequence: missense variant.
Genome position (GRCh38, 1-based): chr3:123,682,284, C>A on the plus strand (G>T on the coding strand, the complement: MYLK is on the minus strand). VCF-style: chr3-123682284-C-A. GRCh37 (hg19) VCF-style: chr3-123401131-C-A.
Other names: c.3064G>T, p.Ala1022Ser (NM_001321309.2); c.3385G>T, p.Ala1129Ser (NM_053026.4, NM_053028.4); c.3592G>T, p.Ala1198Ser (NM_053027.4); c.3592G>T (NM_053025.3); short protein forms A1129S, A1198S, A1022S.
Identifiers: ClinVar variation 1421664 (VCV001421664.9), dbSNP rs911251036, ClinGen allele CA82936207.
Genomic context (GRCh38, chr3:123,682,284, plus strand): 5'-TCTCAGTTCCTAGCACGGGAGGAAGAGAGCTCTTGGGCCTCCGGGATTTCATCTCTGGGG[C>A]CTTGGTGTTCTCACTGGCTGGAGCATCTGGAATGAAACAGGTAACAATAAATGTTAGCAG-3'
Protein context (NP_444253.3, residues 1188-1208): DDAPASENTK[Ala1198Ser]PEMKSRRPKS

ClinVar aggregate classification (germline): Uncertain significance. Review status: criteria provided, multiple submitters, no conflicts (2 of 4 stars). 2 submissions from 2 submitters: Uncertain significance (2). Last evaluated 2025-07-15.

Conditions:
Familial thoracic aortic aneurysm and aortic dissection (TAAD). Also called: Thoracic aortic aneurysms and dissections. Identifiers: Orphanet 91387, MedGen C4707243, MONDO:0019625.
Aortic aneurysm, familial thoracic 7 (AAT7). Also called: AORTIC DISSECTION, FAMILIAL, WITH OR WITHOUT AORTIC ANEURYSM. Identifiers: MedGen C3151077, MONDO:0013418, OMIM 613780.

Allele frequency attached by ClinVar (database versions not stated): gnomAD exomes below 0.00001; gnomAD 0.00002; TOPMed 0.00002.
gnomAD v4.1: 6 of 1,603,234 alleles (0.00037%); highest among the groups gnomAD compares: African/African-American, 0.0053%; no homozygotes.

Submissions (2):

Ambry Genetics
Classification: Uncertain significance for Familial thoracic aortic aneurysm and aortic dissection. Last evaluated: 2025-07-15. Review status: criteria provided, single submitter. Criteria: Ambry Variant Classification Scheme 2023. Collection method: clinical testing. Allele origin: germline.
Comment: The p.A1198S variant (also known as c.3592G>T), located in coding exon 17 of the MYLK gene, results from a G to T substitution at nucleotide position 3592. The alanine at codon 1198 is replaced by serine, an amino acid with similar properties. This amino acid position is conserved. In addition, this alteration is predicted to be tolerated by in silico analysis. Based on the available evidence, the clinical significance of this variant remains unclear.

Labcorp Genetics (formerly Invitae), Labcorp
Classification: Uncertain significance for Aortic aneurysm, familial thoracic 7. Last evaluated: 2023-03-12. Review status: criteria provided, single submitter. Criteria: Invitae Variant Classification Sherloc (09022015). Collection method: clinical testing. Allele origin: germline.
Comment: This sequence change replaces alanine, which is neutral and non-polar, with serine, which is neutral and polar, at codon 1198 of the MYLK protein (p.Ala1198Ser). The frequency data for this variant in the population databases is considered unreliable, as metrics indicate poor data quality at this position in the gnomAD database. This variant has not been reported in the literature in individuals affected with MYLK-related conditions. ClinVar contains an entry for this variant (Variation ID: 1421664). Advanced modeling of protein sequence and biophysical properties (such as structural, functional, and spatial information, amino acid conservation, physicochemical variation, residue mobility, and thermodynamic stability) performed at Invitae indicates that this missense variant is not expected to disrupt MYLK protein function. In summary, the available evidence is currently insufficient to determine the role of this variant in disease. Therefore, it has been classified as a Variant of Uncertain Significance.